The following is an entry in ClinVar:

ClinVar aggregate classification (germline): Conflicting classifications of pathogenicity. Review status: criteria provided, conflicting classifications (1 of 4 stars). 13 submissions from 12 submitters: Likely pathogenic (1); Uncertain significance (4); Benign (3); Likely benign (2). 3 of the submissions do not count toward it. Last evaluated 2026-03-27.

Conditions:
Cardiovascular phenotype. Identifiers: MedGen CN230736.
Atrial fibrillation. Identifiers: MedGen C0004238, MONDO:0004981, HP:0005110.
Short QT syndrome type 3. Identifiers: Orphanet 51083, MedGen C1865018, MONDO:0012314, OMIM 609622.
Andersen Tawil syndrome (LQT7). Also called: ANDERSEN CARDIODYSRHYTHMIC PERIODIC PARALYSIS; LONG QT SYNDROME 7; PERIODIC PARALYSIS, POTASSIUM-SENSITIVE CARDIODYSRHYTHMIC TYPE; Potassium-sensitive periodic paralysis, ventricular ectopy, and dysmorphic features; Andersen Syndrome. Identifiers: Orphanet 37553, MedGen C1563715, MONDO:0008222, OMIM 170390.
Long QT syndrome (LQTS). Identifiers: MedGen C0023976, MeSH D008133, MONDO:0002442. Disease mechanism: loss of function. Inheritance: Various modes of inheritance.
Atrial fibrillation, familial, 9 (ATFB9). Identifiers: MedGen C3151431, MONDO:0013513, OMIM 613980.

Allele frequency attached by ClinVar (database versions not stated): ESP Exome Variant Server 0.00023; gnomAD 0.00007; TOPMed 0.00010; gnomAD exomes 0.00011 and 0.00016; ExAC 0.00012; 1000 Genomes Project 30x 0.00016; 1000 Genomes Project 0.00020.
gnomAD v4.1: 183 of 1,614,192 alleles (0.011%); highest among the groups gnomAD compares: South Asian, 0.032%; 1 homozygote.

Submissions (13):

Molecular Diagnostic Laboratory for Inherited Cardiovascular Disease, Montreal Heart Institute
Classification: Uncertain significance for Cardiovascular phenotype. Last evaluated: 2026-03-27. Review status: criteria provided, single submitter. Criteria: ACMG Guidelines, 2015. Collection method: clinical testing. Allele origin: germline. Affected: yes.
Comment: PS3_mod, PP1, PP2, BS1

Labcorp Genetics (formerly Invitae), Labcorp
Classification: Uncertain significance for Short QT syndrome type 3; Andersen Tawil syndrome. Last evaluated: 2026-01-27. Review status: criteria provided, single submitter. Criteria: Invitae Variant Classification Sherloc (09022015). Collection method: clinical testing. Allele origin: germline.
Comment: This sequence change replaces valine, which is neutral and non-polar, with isoleucine, which is neutral and non-polar, at codon 93 of the KCNJ2 protein (p.Val93Ile). This variant is present in population databases (rs147750704, gnomAD 0.03%). This missense change has been observed in individual(s) with atrial fibrillation and/or long QT syndrome (PMID: 15922306, 23631430, 25410959, 35456365). It has also been observed to segregate with disease in related individuals. ClinVar contains an entry for this variant (Variation ID: 30121). Invitae Evidence Modeling of protein sequence and biophysical properties (such as structural, functional, and spatial information, amino acid conservation, physicochemical variation, residue mobility, and thermodynamic stability) indicates that this missense variant is not expected to disrupt KCNJ2 protein function with a negative predictive value of 95%. Experimental studies are conflicting or provide insufficient evidence to determine the effect of this variant on KCNJ2 function (PMID: 15922306, 19041665, 19111761). In summary, the available evidence is currently insufficient to determine the role of this variant in disease. Therefore, it has been classified as a Variant of Uncertain Significance.

Blueprint Genetics
Classification: Likely benign. Last evaluated: 2024-10-25. Review status: criteria provided, single submitter. Criteria: ACMG Guidelines, 2015. Collection method: clinical testing. Allele origin: germline.

CeGaT Center for Human Genetics Tuebingen
Classification: Likely benign. Last evaluated: 2024-09-01. Review status: criteria provided, single submitter. Criteria: CeGaT Center For Human Genetics Tuebingen Variant Classification Criteria Version 2. Collection method: clinical testing. Allele origin: germline. Affected: yes. Observed: 1 variant allele.
Comment: KCNJ2: BS1

Dept of Medical Biology, Uskudar University
Classification: Uncertain significance for Long QT syndrome. Last evaluated: 2024-01-08. Review status: criteria provided, single submitter. Criteria: Dept of Medical Biology Variant Classification. Collection method: research. Allele origin: maternal. Affected: yes. Observed: 1 variant allele.
Comment: Criteria: PM1, BP4

Ambry Genetics
Classification: Benign for Cardiovascular phenotype. Last evaluated: 2022-06-30. Review status: criteria provided, single submitter. Criteria: Ambry Variant Classification Scheme 2023. Collection method: clinical testing. Allele origin: germline.

Petrovsky National Research Centre of Surgery, The Federal Agency for Scientific Organizations
Classification: Likely pathogenic for Atrial fibrillation, familial, 9. Last evaluated: 2021-12-17. Review status: criteria provided, single submitter. Criteria: ACMG Guidelines, 2015. Collection method: clinical testing. Allele origin: unknown. Affected: yes. Observed: 2 heterozygotes. Clinical features observed: Prolonged QTc interval (HP:0005184).
Comment: This variant was shown to have in vitro effect (PS3 criteria); several in silico tools predict the variant to be pathogenic (PP3 criteria); additionally, it was previously shown for the variant to have a gain-of-function effect of this variant on Kir2.1 channel. Based on the evidence, we consider the p.V93I variant to be likely pathogenic.

GeneDx
Classification: Uncertain significance. Last evaluated: 2020-01-16. Review status: criteria provided, single submitter. Criteria: GeneDx Variant Classification Process June 2021. Collection method: clinical testing. Allele origin: germline. Affected: yes.
Comment: In silico analysis, which includes protein predictors and evolutionary conservation, supports that this variant does not alter protein structure/function; This variant is associated with the following publications: (PMID: 25637381, 23631430, 15922306, 19041665, 29247119, 25410959)

Illumina Laboratory Services, Illumina
Classification: Benign for Andersen Tawil syndrome. Last evaluated: 2017-09-19. Review status: criteria provided, single submitter. Criteria: ICSL Variant Classification Criteria 13 December 2019. Collection method: clinical testing. Allele origin: germline.
Comment: This variant was observed as part of a predisposition screen in an ostensibly healthy population. A literature search was performed for the gene, cDNA change, and amino acid change (where applicable). Publications were found based on this search. The evidence from the literature, in combination with allele frequency data from public databases where available, was sufficient to rule this variant out of causing disease. Therefore, this variant is classified as benign.

Illumina Laboratory Services, Illumina
Classification: Benign for Short QT syndrome type 3. Last evaluated: 2017-09-19. Review status: criteria provided, single submitter. Criteria: ICSL Variant Classification Criteria 13 December 2019. Collection method: clinical testing. Allele origin: germline.
Comment: This variant was observed as part of a predisposition screen in an ostensibly healthy population. A literature search was performed for the gene, cDNA change, and amino acid change (where applicable). No publications were found based on this search. Allele frequency data from public databases was too high to be consistent with this variant causing disease. Therefore, this variant is classified as benign.

CSER _CC_NCGL, University of Washington
Classification: Uncertain significance for Atrial fibrillation. Last evaluated: 2014-06-01. Review status: no assertion criteria provided. Collection method: research. Allele origin: germline. Inheritance: Autosomal dominant inheritance. Study: ESP 6500 variant annotation. Not counted in ClinVar's aggregate classification.
Comment: Variants classified for the Actionable exomic incidental findings in 6503 participants: challenges of variant classification manuscript

Cardiovascular Biomedical Research Unit, Royal Brompton & Harefield NHS Foundation Trust
No classification provided. Condition: Atrial fibrillation. Review status: no classification provided. Collection method: literature only. Allele origin: germline. Not counted in ClinVar's aggregate classification.
Comment: This variant has been reported as associated with Atrial fibrillation in the following publications (PMID:15922306;PMID:19041665). This is a literature report, and does not necessarily reflect the clinical interpretation of the Imperial College / Royal Brompton Cardiovascular Genetics laboratory.

OMIM
Classification: Pathogenic for ATRIAL FIBRILLATION, FAMILIAL, 9. Last evaluated: 2005-07-15. Review status: flagged submission. Collection method: literature only. Allele origin: germline. Not counted in ClinVar's aggregate classification.
ClinVar note: Reason: Outlier claim with insufficient supporting evidence

Literature cited by the submitters: PubMed 15922306 (cited by 4 submitters); PubMed 23631430 (cited by 3 submitters); PubMed 25410959 (cited by Labcorp Genetics (formerly Invitae), Labcorp and Ambry Genetics); PubMed 35456365 (cited by Labcorp Genetics (formerly Invitae), Labcorp); PubMed 19041665 (cited by 3 submitters); PubMed 19111761 (cited by Labcorp Genetics (formerly Invitae), Labcorp); PubMed 17581963 (cited by Ambry Genetics); PubMed 25223803 (cited by Ambry Genetics); PubMed 25637381 (cited by Ambry Genetics); PubMed 28711067 (cited by Ambry Genetics); PubMed 29247119 (cited by Ambry Genetics); PubMed 31521807 (cited by Ambry Genetics); PubMed 34426522 (cited by Ambry Genetics); PubMed 34516623 (cited by Ambry Genetics); DOI 10.1016/j.bbrc.2005.05.054 (cited by Petrovsky National Research Centre of Surgery, The Federal Agency for Scientific Organizations); PubMed 22581653 (cited by Cardiovascular Biomedical Research Unit, Royal Brompton & Harefield NHS Foundation Trust).

NM_000891.3(KCNJ2):c.277G>A (p.Val93Ile)

Gene: KCNJ2 (potassium inwardly rectifying channel subfamily J member 2; plus strand). Cytogenetic location: 17q24.3.
Variant type: single nucleotide variant.
Coding change: c.277G>A on transcript NM_000891.3 (MANE Select); coding-DNA position 277, G replaced by A.
Protein change: p.Val93Ile; replaces valine 93 with isoleucine.
Molecular consequence: missense variant.
Genome position (GRCh38, 1-based): chr17:70,175,316, G>A. VCF-style: chr17-70175316-G-A. GRCh37 (hg19) VCF-style: chr17-68171457-G-A.
Other names: p.V93I:GTC>ATC; p.V93I; c.277G>A (LRG_328t1); short protein forms V93I.
Identifiers: ClinVar variation 30121 (VCV000030121.38), dbSNP rs147750704, ClinGen allele CA128946.